The following is an entry in ClinVar:

ClinVar aggregate classification (germline): Uncertain significance. Review status: criteria provided, multiple submitters, no conflicts (2 of 4 stars). 2 submissions from 2 submitters: Uncertain significance (2). Last evaluated 2022-02-02.

Conditions:
Medulloblastoma (MDB). Also called: MEDULLOBLASTOMA PREDISPOSITION SYNDROME; Medulloblastoma, somatic. Identifiers: Orphanet 616, MedGen C0025149, MeSH D008527, MONDO:0007959, OMIM 155255, HP:0002885.
Familial dysautonomia. Also called: FD; HSAN III. Identifiers: Orphanet 1764, MedGen C0013364, MONDO:0009131, OMIM 223900. Disease mechanism: loss of function.

Allele frequency attached by ClinVar (database versions not stated): TOPMed 0.00001; gnomAD exomes 0.00002.
gnomAD v4.1: 28 of 1,614,158 alleles (0.0017%); highest among the groups gnomAD compares: Non-Finnish European, 0.0023%; no homozygotes.

Submissions (2):

Fulgent Genetics
Classification: Uncertain significance for Medulloblastoma; Familial dysautonomia. Last evaluated: 2022-02-02. Review status: criteria provided, single submitter. Criteria: ACMG Guidelines, 2015. Collection method: clinical testing. Allele origin: unknown.

St. Jude Molecular Pathology, St. Jude Children's Research Hospital
Classification: Uncertain significance for Medulloblastoma. Last evaluated: 2021-09-29. Review status: criteria provided, single submitter. Criteria: St. Jude Assertion Criteria 2020. Collection method: clinical testing. Allele origin: germline.
Comment: The ELP1 c.85G>A (p.Glu29Lys) missense change is absent in gnomAD v2.1.1 (PM2_supporting). In silico tools are not in agreement about the effect of this variant on protein function, but to our knowledge these predictions have not been confirmed by functional assays. To our knowledge, this variant has not been reported in individuals with a personal or family history of medulloblastoma. In summary, this variant meets criteria to be classified as of uncertain significance based on the ACMG/AMP criteria: PM2_supporting.

NM_003640.5(ELP1):c.85G>A (p.Glu29Lys)

Gene: ELP1 (elongator acetyltransferase complex subunit 1; minus strand). Cytogenetic location: 9q31.3.
Variant type: single nucleotide variant.
Coding change: c.85G>A on transcript NM_003640.5 (MANE Select); coding-DNA position 85, G replaced by A.
Protein change: p.Glu29Lys; replaces glutamic acid 29 with lysine.
Molecular consequence: missense variant. On other transcripts: 5 prime UTR variant (1), intron variant (1).
Genome position (GRCh38, 1-based): chr9:108,931,062, C>T on the plus strand (G>A on the coding strand, the complement: ELP1 is on the minus strand). VCF-style: chr9-108931062-C-T. GRCh37 (hg19) VCF-style: chr9-111693342-C-T.
Other names: c.-775G>A (NM_001330749.2); c.-252-6G>A (NM_001318360.2); short protein forms E29K.
Identifiers: ClinVar variation 1320288 (VCV001320288.4), dbSNP rs977172542, ClinGen allele CA197531669.